The following is an entry in ClinVar:

NM_018127.7(ELAC2):c.2096A>C (p.Glu699Ala)

Gene: ELAC2 (elaC ribonuclease Z 2; minus strand). Cytogenetic location: 17p12.
Variant type: single nucleotide variant.
Coding change: c.2096A>C on transcript NM_018127.7 (MANE Select); coding-DNA position 2096, A replaced by C.
Protein change: p.Glu699Ala; replaces glutamic acid 699 with alanine.
Molecular consequence: missense variant.
Genome position (GRCh38, 1-based): chr17:12,994,437, T>G on the plus strand (A>C on the coding strand, the complement: ELAC2 is on the minus strand). VCF-style: chr17-12994437-T-G. GRCh37 (hg19) VCF-style: chr17-12897754-T-G.
Other names: c.1976A>C, p.Glu659Ala (NM_001165962.2); c.2093A>C, p.Glu698Ala (NM_173717.2); short protein forms E698A, E699A, E659A.
Identifiers: ClinVar variation 1942605 (VCV001942605.2), dbSNP rs2508218470, ClinGen allele CA398222833.

ClinVar aggregate classification (germline): Uncertain significance (1 of 4 stars; one submission).

Conditions:
Combined oxidative phosphorylation defect type 17. Also called: Combined oxidative phosphorylation deficiency 17. Identifiers: Orphanet 369913, MedGen C3809526, MONDO:0014190, OMIM 615440.

Submission:

Labcorp Genetics (formerly Invitae), Labcorp
Classification: Uncertain significance for Combined oxidative phosphorylation defect type 17. Last evaluated: 2022-03-26. Review status: criteria provided, single submitter. Criteria: Invitae Variant Classification Sherloc (09022015). Collection method: clinical testing. Allele origin: germline.
Comment: This sequence change replaces glutamic acid, which is acidic and polar, with alanine, which is neutral and non-polar, at codon 699 of the ELAC2 protein (p.Glu699Ala). This variant is not present in population databases (gnomAD no frequency). This variant has not been reported in the literature in individuals affected with ELAC2-related conditions. Algorithms developed to predict the effect of missense changes on protein structure and function are either unavailable or do not agree on the potential impact of this missense change (SIFT: "Tolerated"; PolyPhen-2: "Possibly Damaging"; Align-GVGD: "Class C0"). In summary, the available evidence is currently insufficient to determine the role of this variant in disease. Therefore, it has been classified as a Variant of Uncertain Significance.